The following is an entry in ClinVar:

NM_138477.4(CDAN1):c.305C>T (p.Pro102Leu)

Genes: CDAN1 (codanin 1; minus strand), LOC130056931 (ATAC-STARR-seq lymphoblastoid silent region 6376; plus strand). Cytogenetic location: 15q15.2.
Variant type: single nucleotide variant.
Coding change: c.305C>T on transcript NM_138477.4 (MANE Select); coding-DNA position 305, C replaced by T.
Protein change: p.Pro102Leu; replaces proline 102 with leucine.
Molecular consequence: missense variant.
Genome position (GRCh38, 1-based): chr15:42,736,566, G>A on the plus strand (C>T on the coding strand, the complement: CDAN1 is on the minus strand). VCF-style: chr15-42736566-G-A. GRCh37 (hg19) VCF-style: chr15-43028764-G-A.
Other names: short protein forms P102L.
Identifiers: ClinVar variation 2769898 (VCV002769898.3), dbSNP rs2506136927, ClinGen allele CA392060115.

ClinVar aggregate classification (germline): Uncertain significance (1 of 4 stars; one submission).

Allele frequency attached by ClinVar (database versions not stated): gnomAD exomes below 0.00001.
gnomAD v4.1: 1 of 1,487,380 alleles (0.000067%); highest among the groups gnomAD compares: African/African-American, 0.0015%; no homozygotes.

Submission:

Labcorp Genetics (formerly Invitae), Labcorp
Classification: Uncertain significance. Last evaluated: 2023-10-18. Review status: criteria provided, single submitter. Criteria: Invitae Variant Classification Sherloc (09022015). Collection method: clinical testing. Allele origin: germline.
Comment: This sequence change replaces proline, which is neutral and non-polar, with leucine, which is neutral and non-polar, at codon 102 of the CDAN1 protein (p.Pro102Leu). This variant is not present in population databases (gnomAD no frequency). This variant has not been reported in the literature in individuals affected with CDAN1-related conditions. An algorithm developed to predict the effect of missense changes on protein structure and function (PolyPhen-2) suggests that this variant is likely to be disruptive. In summary, the available evidence is currently insufficient to determine the role of this variant in disease. Therefore, it has been classified as a Variant of Uncertain Significance.